The following is an entry in ClinVar:

NM_000755.5(CRAT):c.326A>G (p.Gln109Arg)

Gene: CRAT (carnitine O-acetyltransferase; minus strand). Cytogenetic location: 9q34.11.
Variant type: single nucleotide variant.
Coding change: c.326A>G on transcript NM_000755.5 (MANE Select); coding-DNA position 326, A replaced by G.
Protein change: p.Gln109Arg; replaces glutamine 109 with arginine.
Molecular consequence: missense variant.
Genome position (GRCh38, 1-based): chr9:129,104,272, T>C on the plus strand (A>G on the coding strand, the complement: CRAT is on the minus strand). VCF-style: chr9-129104272-T-C. GRCh37 (hg19) VCF-style: chr9-131866551-T-C.
Other names: c.263A>G, p.Gln88Arg (NM_001257363.3, NM_001346548.2, NM_004003.4); c.329A>G, p.Gln110Arg (NM_001346546.2); c.326A>G, p.Gln109Arg (NM_001346547.2); c.206A>G, p.Gln69Arg (NM_001346549.2); short protein forms Q110R, Q88R, Q109R, Q69R.
Identifiers: ClinVar variation 3677975 (VCV003677975.2).
Genomic context (GRCh38, chr9:129,104,272, plus strand): 5'-AAGTCCTGCTTGGGTAGCATCACGCCTGGGCTCGAGTAGATGACCACAGGCTGGCGGTAC[T>C]GGAGGTAGGCGGTCTTGAGCCACCACTCAGACAGCTGGGAAAAGTGCCAGAGCCTGTCAG-3'
Protein context (NP_000746.3, residues 99-119): SEWWLKTAYL[Gln109Arg]YRQPVVIYSS

ClinVar aggregate classification (germline): Uncertain significance (1 of 4 stars; one submission).

Submission:

Labcorp Genetics (formerly Invitae), Labcorp
Classification: Uncertain significance. Last evaluated: 2024-03-21. Review status: criteria provided, single submitter. Criteria: Invitae Variant Classification Sherloc (09022015). Collection method: clinical testing. Allele origin: germline.
Comment: This sequence change replaces glutamine, which is neutral and polar, with arginine, which is basic and polar, at codon 109 of the CRAT protein (p.Gln109Arg). This variant is present in population databases (no rsID available, gnomAD 0.0009%). This variant has not been reported in the literature in individuals affected with CRAT-related conditions. Advanced modeling of protein sequence and biophysical properties (such as structural, functional, and spatial information, amino acid conservation, physicochemical variation, residue mobility, and thermodynamic stability) performed at Invitae indicates that this missense variant is not expected to disrupt CRAT protein function with a negative predictive value of 80%. In summary, the available evidence is currently insufficient to determine the role of this variant in disease. Therefore, it has been classified as a Variant of Uncertain Significance.